The following is an entry in ClinVar:

NM_022114.4(PRDM16):c.2672C>T (p.Pro891Leu)

Gene: PRDM16 (PR/SET domain 16; plus strand). Cytogenetic location: 1p36.32.
Variant type: single nucleotide variant.
Coding change: c.2672C>T on transcript NM_022114.4 (MANE Select); coding-DNA position 2672, C replaced by T.
Protein change: p.Pro891Leu; replaces proline 891 with leucine.
Molecular consequence: missense variant.
Genome position (GRCh38, 1-based): chr1:3,414,628, C>T. VCF-style: chr1-3414628-C-T. GRCh37 (hg19) VCF-style: chr1-3331192-C-T.
Other names: c.2672C>T (NM_022114.3); c.2672C>T, p.Pro891Leu (NM_199454.3); short protein forms P891L.
Identifiers: ClinVar variation 3713063 (VCV003713063.3).

ClinVar aggregate classification (germline): Uncertain significance. Review status: criteria provided, multiple submitters, no conflicts (2 of 4 stars). 2 submissions from 2 submitters: Uncertain significance (2). Last evaluated 2025-05-05.

Conditions:
Inborn genetic diseases. Identifiers: MedGen C0950123, MeSH D030342.
Left ventricular noncompaction 8 (LVNC8). Identifiers: Orphanet 154, Orphanet 54260, MedGen C3809288, MONDO:0014152, OMIM 615373.

gnomAD v4.1: 15 of 1,613,162 alleles (0.00093%); highest among the groups gnomAD compares: Admixed American, 0.0083%; no homozygotes.

Submissions (2):

Ambry Genetics
Classification: Uncertain significance for Inborn genetic diseases. Last evaluated: 2025-05-05. Review status: criteria provided, single submitter. Criteria: Ambry Variant Classification Scheme 2023. Collection method: clinical testing. Allele origin: germline.

Labcorp Genetics (formerly Invitae), Labcorp
Classification: Uncertain significance for Left ventricular noncompaction 8. Last evaluated: 2024-03-14. Review status: criteria provided, single submitter. Criteria: Invitae Variant Classification Sherloc (09022015). Collection method: clinical testing. Allele origin: germline.
Comment: This sequence change replaces proline, which is neutral and non-polar, with leucine, which is neutral and non-polar, at codon 891 of the PRDM16 protein (p.Pro891Leu). This variant is present in population databases (rs573567598, gnomAD 0.009%). This variant has not been reported in the literature in individuals affected with PRDM16-related conditions. An algorithm developed to predict the effect of missense changes on protein structure and function (PolyPhen-2) suggests that this variant is likely to be disruptive. In summary, the available evidence is currently insufficient to determine the role of this variant in disease. Therefore, it has been classified as a Variant of Uncertain Significance.